The following is an entry in ClinVar:

ClinVar aggregate classification (germline): Uncertain significance. Review status: criteria provided, multiple submitters, no conflicts (2 of 4 stars). 6 submissions from 6 submitters: Uncertain significance (5). 1 of the submissions does not count toward it. Last evaluated 2025-11-26.

Conditions:
Juvenile polyposis syndrome (JPS). Identifiers: Orphanet 2929, MedGen C0345893, MONDO:0017380, OMIM 174900.
Hereditary cancer-predisposing syndrome. Also called: Neoplastic Syndromes, Hereditary; Tumor predisposition; Hereditary neoplastic syndrome; Hereditary Cancer Syndrome. Identifiers: Orphanet 140162, MedGen C0027672, MeSH D009386, MONDO:0015356.
Generalized juvenile polyposis/juvenile polyposis coli. Also called: Juvenile polyposis coli. Identifiers: Orphanet 329971, MedGen C1868081, MONDO:0008276.

Allele frequency attached by ClinVar (database versions not stated): gnomAD exomes below 0.00001; ExAC 0.00001.
gnomAD v4.1: 1 of 1,614,118 alleles (0.000062%); highest among the groups gnomAD compares: Non-Finnish European, 0.000085%; no homozygotes.

Submissions (6):

Ambry Genetics
Classification: Uncertain significance for Hereditary cancer-predisposing syndrome. Last evaluated: 2025-11-26. Review status: criteria provided, single submitter. Criteria: Ambry Variant Classification Scheme 2023. Collection method: clinical testing. Allele origin: germline.
Comment: The p.S64L variant (also known as c.191C>T), located in coding exon 2 of the BMPR1A gene, results from a C to T substitution at nucleotide position 191. The serine at codon 64 is replaced by leucine, an amino acid with dissimilar properties. This amino acid position is highly conserved in available vertebrate species. In addition, this alteration is predicted to be deleterious by in silico analysis. Since supporting evidence is limited at this time, the clinical significance of this alteration remains unclear.

All of Us Research Program, National Institutes of Health
Classification: Uncertain significance for Juvenile polyposis syndrome. Last evaluated: 2024-02-22. Review status: criteria provided, single submitter. Criteria: ACMG Guidelines, 2015. Collection method: clinical testing. Allele origin: germline. Inheritance: Autosomal dominant inheritance. Observed: 1 variant allele, 1 heterozygote.
Comment: This missense variant replaces serine with leucine at codon 64 of the BMPR1A protein. Computational prediction suggests that this variant may have deleterious impact on protein structure and function (internally defined REVEL score threshold >= 0.7, PMID: 27666373). To our knowledge, functional studies have not been reported for this variant. This variant has not been reported in individuals affected with BMPR1A-related disorders in the literature. This variant has been identified in 1/251408 chromosomes in the general population by the Genome Aggregation Database (gnomAD). The available evidence is insufficient to determine the role of this variant in disease conclusively. Therefore, this variant is classified as a Variant of Uncertain Significance.

This study involves interpretation of variants in research participants for the purpose of population health screening. Participant phenotype was not available at the time of variant classification. Additional details can be found in publication PMID: 35346344, PMCID: PMC8962531

Labcorp Genetics (formerly Invitae), Labcorp
Classification: Uncertain significance for Juvenile polyposis syndrome. Last evaluated: 2022-07-23. Review status: criteria provided, single submitter. Criteria: Invitae Variant Classification Sherloc (09022015). Collection method: clinical testing. Allele origin: germline.
Comment: This sequence change replaces serine, which is neutral and polar, with leucine, which is neutral and non-polar, at codon 64 of the BMPR1A protein (p.Ser64Leu). ClinVar contains an entry for this variant (Variation ID: 246405). Algorithms developed to predict the effect of missense changes on protein structure and function (SIFT, PolyPhen-2, Align-GVGD) all suggest that this variant is likely to be disruptive. In summary, the available evidence is currently insufficient to determine the role of this variant in disease. Therefore, it has been classified as a Variant of Uncertain Significance. This variant has not been reported in the literature in individuals affected with BMPR1A-related conditions. This variant is present in population databases (rs760515128, gnomAD 0.0009%).

Illumina Laboratory Services, Illumina
Classification: Uncertain significance for Juvenile polyposis syndrome. Last evaluated: 2018-01-13. Review status: criteria provided, single submitter. Criteria: ICSL Variant Classification Criteria 13 December 2019. Collection method: clinical testing. Allele origin: germline.

GeneDx
Classification: Uncertain significance. Last evaluated: 2016-02-10. Review status: criteria provided, single submitter. Criteria: GeneDx Variant Classification (06012015). Collection method: clinical testing. Allele origin: germline. Affected: yes.
Comment: This variant is denoted BMPR1A c.191C>T at the cDNA level, p.Ser64Leu (S64L) at the protein level, and results in the change of a Serine to a Leucine (TCA>TTA). This variant has not, to our knowledge, been published in the literature as pathogenic or benign. BMPR1A Ser64Leu was not observed in approximately 6,500 individuals of European and African American ancestry in the NHLBI Exome Sequencing Project, suggesting it is not a common benign variant in these populations. Since Serine and Leucine differ in polarity, charge, size or other properties, this is considered a non-conservative amino acid substitution. BMPR1A Ser64Leu occurs at a position that is conserved across species and is located in the Cysteine-rich domain (Howe 2004). In silico analyses predict that this variant is probably damaging to protein structure and function. Based on currently available evidence, it is unclear whether BMPR1A Ser64Leu is a pathogenic or benign variant. We consider it to be a variant of uncertain significance.

True Health Diagnostics
Classification: Uncertain significance for Hereditary cancer-predisposing syndrome. Last evaluated: 2018-08-07. Review status: no assertion criteria provided. Collection method: clinical testing. Allele origin: germline. Not counted in ClinVar's aggregate classification.

NM_004329.3(BMPR1A):c.191C>T (p.Ser64Leu)

Gene: BMPR1A (bone morphogenetic protein receptor type 1A; plus strand). Cytogenetic location: 10q23.2.
Variant type: single nucleotide variant.
Coding change: c.191C>T on transcript NM_004329.3 (MANE Select); coding-DNA position 191, C replaced by T.
Protein change: p.Ser64Leu; replaces serine 64 with leucine.
Molecular consequence: missense variant.
Genome position (GRCh38, 1-based): chr10:86,890,185, C>T. VCF-style: chr10-86890185-C-T. GRCh37 (hg19) VCF-style: chr10-88649942-C-T.
Other names: short protein forms S64L.
Identifiers: ClinVar variation 246405 (VCV000246405.20), dbSNP rs760515128, ClinGen allele CA5585439.